The following is an entry in ClinVar:

NM_012213.3(MLYCD):c.1237G>C (p.Gly413Arg)

Gene: MLYCD (malonyl-CoA decarboxylase; plus strand). Cytogenetic location: 16q23.3.
Variant type: single nucleotide variant.
Coding change: c.1237G>C on transcript NM_012213.3 (MANE Select); coding-DNA position 1237, G replaced by C.
Protein change: p.Gly413Arg; replaces glycine 413 with arginine.
Molecular consequence: missense variant.
Genome position (GRCh38, 1-based): chr16:83,915,244, G>C. VCF-style: chr16-83915244-G-C. GRCh37 (hg19) VCF-style: chr16-83948849-G-C.
Other names: short protein forms G413R.
Identifiers: ClinVar variation 1015436 (VCV001015436.8), dbSNP rs374608119, ClinGen allele CA396920317.
Genomic context (GRCh38, chr16:83,915,244, plus strand): 5'-GCGCTGCAGACTCCGCTGATGAGGCTGTGCGCCTGGTACCTGTATGGAGAGAAGCACCGC[G>C]GCTACGCGCTGAACCCCGTGGCCAACTTCCACCTGCAGAACGGGGCGGTGCTGTGGCGCA-3'
Protein context (NP_036345.2, residues 403-423): AWYLYGEKHR[Gly413Arg]YALNPVANFH

ClinVar aggregate classification (germline): Uncertain significance (1 of 4 stars; one submission).

Conditions:
Deficiency of malonyl-CoA decarboxylase. Also called: Malonic aciduria; MCD deficiency. Identifiers: Orphanet 943, MedGen C0342793, MONDO:0009556, OMIM 248360.

Allele frequency attached by ClinVar (database versions not stated): TOPMed 0.00003.
gnomAD v4.1: 7 of 1,612,878 alleles (0.00043%); highest among the groups gnomAD compares: African/African-American, 0.0013%; no homozygotes.

Submission:

Labcorp Genetics (formerly Invitae), Labcorp
Classification: Uncertain significance for Deficiency of malonyl-CoA decarboxylase. Last evaluated: 2024-05-22. Review status: criteria provided, single submitter. Criteria: Invitae Variant Classification Sherloc (09022015). Collection method: clinical testing. Allele origin: germline.
Comment: This sequence change replaces glycine, which is neutral and non-polar, with arginine, which is basic and polar, at codon 413 of the MLYCD protein (p.Gly413Arg). This variant is present in population databases (no rsID available, gnomAD 0.007%). This variant has not been reported in the literature in individuals affected with MLYCD-related conditions. ClinVar contains an entry for this variant (Variation ID: 1015436). Advanced modeling of protein sequence and biophysical properties (such as structural, functional, and spatial information, amino acid conservation, physicochemical variation, residue mobility, and thermodynamic stability) performed at Invitae indicates that this missense variant is expected to disrupt MLYCD protein function with a positive predictive value of 95%. In summary, the available evidence is currently insufficient to determine the role of this variant in disease. Therefore, it has been classified as a Variant of Uncertain Significance.